The following is an entry in ClinVar:

NM_032043.3(BRIP1):c.508-2A>G

Gene: BRIP1 (BRCA1 interacting DNA helicase 1; minus strand). Cytogenetic location: 17q23.2.
Variant type: single nucleotide variant.
Coding change: c.508-2A>G on transcript NM_032043.3 (MANE Select); the canonical splice acceptor site of the intron before coding-DNA position 508, A replaced by G.
Molecular consequence: splice acceptor variant.
Genome position (GRCh38, 1-based): chr17:61,847,222, T>C on the plus strand (A>G on the coding strand, the complement: BRIP1 is on the minus strand). VCF-style: chr17-61847222-T-C. GRCh37 (hg19) VCF-style: chr17-59924583-T-C.
Identifiers: ClinVar variation 841088 (VCV000841088.16), dbSNP rs876659707, ClinGen allele CA400483488.

ClinVar aggregate classification (germline): Pathogenic/Likely pathogenic. Review status: criteria provided, multiple submitters, no conflicts (2 of 4 stars). 4 submissions from 4 submitters: Pathogenic (1); Likely pathogenic (3). Last evaluated 2026-07-20.

Conditions:
Familial cancer of breast. Also called: Hereditary breast cancer; hereditary breast carcinoma; BREAST CANCER, FAMILIAL. Identifiers: Orphanet 227535, MedGen C0346153, MONDO:0016419, OMIM 114480. Disease mechanism: loss of function.
Fanconi anemia complementation group J. Also called: BRIP1-Related Fanconi Anemia. Identifiers: Orphanet 84, MedGen C1836860, MONDO:0012187, OMIM 609054.
Hereditary cancer-predisposing syndrome. Also called: Tumor predisposition; Hereditary neoplastic syndrome; Neoplastic Syndromes, Hereditary; Hereditary Cancer Syndrome. Identifiers: Orphanet 140162, MedGen C0027672, MeSH D009386, MONDO:0015356.

Submissions (4):

Ambry Genetics
Classification: Likely pathogenic for Hereditary cancer-predisposing syndrome. Last evaluated: 2026-07-20. Review status: criteria provided, single submitter. Criteria: Ambry Variant Classification Scheme 2023. Collection method: clinical testing. Allele origin: germline.
Comment: The c.508-2A>G intronic variant results from an A to G substitution two nucleotides upstream from coding exon 5 in the BRIP1 gene. This nucleotide position is highly conserved in available vertebrate species. This variant is considered to be rare based on population cohorts in the Genome Aggregation Database (gnomAD). In silico splice site analysis predicts that this alteration will weaken the native splice acceptor site and will result in the creation or strengthening of a novel splice acceptor site; however, direct evidence is insufficient at this time (Ambry internal data). Alterations that disrupt the canonical splice site are expected to cause aberrant splicing, resulting in an abnormal protein or a transcript that is subject to nonsense-mediated mRNA decay. As such, this alteration is classified as likely pathogenic.

Labcorp Genetics (formerly Invitae), Labcorp
Classification: Pathogenic for Familial cancer of breast; Fanconi anemia complementation group J. Last evaluated: 2025-12-21. Review status: criteria provided, single submitter. Criteria: Invitae Variant Classification Sherloc (09022015). Collection method: clinical testing. Allele origin: germline.
Comment: This sequence change affects an acceptor splice site in intron 5 of the BRIP1 gene. RNA analysis indicates that disruption of this splice site induces altered splicing and may result in an absent or altered protein product. This variant is not present in population databases (gnomAD no frequency). This variant has not been reported in the literature in individuals affected with BRIP1-related conditions. ClinVar contains an entry for this variant (Variation ID: 841088). Studies have shown that disruption of this splice site results in activation of a cryptic splice site , and produces a non-functional protein and/or introduces a premature termination codon (internal data). For these reasons, this variant has been classified as Pathogenic.

Institute for Genomic Medicine (IGM) Clinical Laboratory, Nationwide Children's Hospital
Classification: Likely pathogenic for Hereditary cancer-predisposing syndrome. Last evaluated: 2022-11-15. Review status: criteria provided, single submitter. Criteria: ACMG Guidelines, 2015. Collection method: clinical testing. Allele origin: germline.
Comment: This variant is predicted to result in loss of function through nonsense-mediated decay of the encoded transcript or premature truncation of the encoded protein in a gene in which loss of function is a known mechanism of disease (ACMG/AMP: PVS1; PMIDs:21964575, 29368626, 32359370). This variant is absent from or present at an exceedingly low frequency in gnomAD, a large-scale control population database (ACMG/AMP: PM2).

Color Diagnostics, LLC DBA Color Health
Classification: Likely pathogenic for Hereditary cancer-predisposing syndrome. Last evaluated: 2022-04-16. Review status: criteria provided, single submitter. Criteria: ACMG Guidelines, 2015. Collection method: clinical testing. Allele origin: germline.
Comment: This variant causes an A to G nucleotide substitution at the -2 position of intron 5 of the BRIP1 gene. Splice site prediction tools predict that this variant may have a significant impact on RNA splicing. To our knowledge, RNA functional studies have not been reported for this variant. This variant has not been reported in individuals affected with hereditary cancer in the literature. This variant has not been identified in the general population by the Genome Aggregation Database (gnomAD). Loss of BRIP1 function is a known mechanism of disease. Based on the available evidence, this variant is classified as Likely Pathogenic.

Literature cited by the submitters: PubMed 21964575 (cited by Institute for Genomic Medicine (IGM) Clinical Laboratory, Nationwide Children's Hospital); PubMed 29368626 (cited by Institute for Genomic Medicine (IGM) Clinical Laboratory, Nationwide Children's Hospital); PubMed 32359370 (cited by Institute for Genomic Medicine (IGM) Clinical Laboratory, Nationwide Children's Hospital).